The following is an entry in ClinVar:

NM_001987.5(ETV6):c.88T>G (p.Ser30Ala)

Gene: ETV6 (ETS variant transcription factor 6; plus strand). Cytogenetic location: 12p13.2.
Variant type: single nucleotide variant.
Coding change: c.88T>G on transcript NM_001987.5 (MANE Select); coding-DNA position 88, T replaced by G.
Protein change: p.Ser30Ala; replaces serine 30 with alanine.
Molecular consequence: missense variant. On other transcripts: intron variant (1).
Genome position (GRCh38, 1-based): chr12:11,752,504, T>G. VCF-style: chr12-11752504-T-G. GRCh37 (hg19) VCF-style: chr12-11905438-T-G.
Other names: c.85T>G, p.Ser29Ala (NM_001413913.1); c.61T>G, p.Ser21Ala (NM_001413914.1); c.88T>G, p.Ser30Ala (NM_001413916.1, NM_001413917.1, NM_001413918.1); c.-101-86636T>G (NM_001413915.1); short protein forms S21A, S29A, S30A.
Identifiers: ClinVar variation 2632275 (VCV002632275.6), dbSNP rs1866052380, ClinGen allele CA384041654.

ClinVar aggregate classification (germline): Uncertain significance. Review status: criteria provided, multiple submitters, no conflicts (2 of 4 stars). 3 submissions from 3 submitters: Uncertain significance (2). 1 of the submissions does not count toward it. Last evaluated 2026-02-28.

Conditions:
ETV6-related disorder. Also called: ETV6-related condition.
Inborn genetic diseases. Identifiers: MedGen C0950123, MeSH D030342.

Submissions (3):

Ambry Genetics
Classification: Uncertain significance for Inborn genetic diseases. Last evaluated: 2026-02-28. Review status: criteria provided, single submitter. Criteria: Ambry Variant Classification Scheme 2023. Collection method: clinical testing. Allele origin: germline.
Comment: The p.S30A variant (also known as c.88T>G), located in coding exon 2 of the ETV6 gene, results from a T to G substitution at nucleotide position 88. The serine at codon 30 is replaced by alanine, an amino acid with similar properties. This amino acid position is conserved. In addition, this alteration is predicted to be tolerated by in silico analysis. Based on the available evidence, the clinical significance of this variant remains unclear.

Labcorp Genetics (formerly Invitae), Labcorp
Classification: Uncertain significance. Last evaluated: 2025-12-22. Review status: criteria provided, single submitter. Criteria: Invitae Variant Classification Sherloc (09022015). Collection method: clinical testing. Allele origin: germline.
Comment: This sequence change replaces serine, which is neutral and polar, with alanine, which is neutral and non-polar, at codon 30 of the ETV6 protein (p.Ser30Ala). This variant is not present in population databases (gnomAD no frequency). This variant has not been reported in the literature in individuals affected with ETV6-related conditions. ClinVar contains an entry for this variant (Variation ID: 2632275). Invitae Evidence Modeling of protein sequence and biophysical properties (such as structural, functional, and spatial information, amino acid conservation, physicochemical variation, residue mobility, and thermodynamic stability) indicates that this missense variant is not expected to disrupt ETV6 protein function with a negative predictive value of 80%. In summary, the available evidence is currently insufficient to determine the role of this variant in disease. Therefore, it has been classified as a Variant of Uncertain Significance.

PreventionGenetics, part of Exact Sciences
Classification: Uncertain significance for ETV6-related condition. Last evaluated: 2023-12-19. Review status: no assertion criteria provided. Collection method: clinical testing. Allele origin: germline. Not counted in ClinVar's aggregate classification.
Comment: The ETV6 c.88T>G variant is predicted to result in the amino acid substitution p.Ser30Ala. To our knowledge, this variant has not been reported in the literature or in a large population database, indicating this variant is rare. At this time, the clinical significance of this variant is uncertain due to the absence of conclusive functional and genetic evidence.